The following is an entry in ClinVar:

ClinVar aggregate classification (germline): Uncertain significance. Review status: reviewed by expert panel (3 of 4 stars). 3 submissions from 3 submitters: Uncertain significance (1). 2 of the submissions do not count toward it. Last evaluated 2024-12-03.

Conditions:
Leigh syndrome (NULS). Also called: Leigh's syndrome; Leigh Disease; Subacute necrotizing encephalopathy; Necrotizing encephalopathy infantile subacute of Leigh; LEIGH SYNDROME, NUCLEAR; Leigh's necrotizing encephalopathy. Identifiers: Orphanet 506, MedGen C2931891, MONDO:0009723, OMIM 256000.
Mitochondrial disease. Also called: Mitochondrial disorder; Mitochondrial disorders. Identifiers: Orphanet 68380, MedGen C0751651, MeSH D028361, MONDO:0044970.

Submissions (3):

ClinGen Mitochondrial Disease Nuclear and Mitochondrial  Variant Curation Expert Panel, ClinGen
Classification: Uncertain significance for Mitochondrial disease. Last evaluated: 2024-12-03. Review status: reviewed by expert panel. Criteria: clingen mito disease acmg specifications v1-1. Collection method: curation. Allele origin: germline. Inheritance: Mitochondrial inheritance.
Comment: The m.9134A>G (p.Glu203Gly) variant in MT-ATP6 has been reported in two individuals with primary mitochondrial disease to date (PMIDs: 22231385, 30763462, 32652755; PS4_supporting). The first reported case was newborn with hypotonia, intrauterine growth restriction, hypsarrhythmia, hypertrophic cardiomyopathy, and lactic acidosis (PMID: 22231385, included in cohort summary in PMID: 30763462). A defect in ATP synthesis was noted in muscle. The variant was present but heteroplasmy was not reported. The second case was an individual with hypotonia, lactic acidosis, and hypertrophic cardiomyopathy (PMID: 32652755). The variant was present at 81.4% in blood. This variant is absent in the MITOMAP GenBank dataset, gnomAD v3.1.2, and the Helix dataset (PM2_supporting). The computational predictor APOGEE gives a consensus rating of pathogenic with a score of 0.824 (Min=0, Max=1), which predicts a damaging effect on gene function (PP3). There are no cybrids, single fiber studies, or other functional assays reported on this variant. In summary, this variant meets criteria to be classified as uncertain significance for primary mitochondrial disease inherited in a mitochondrial manner. This classification was approved by the NICHD/NINDS U24 ClinGen Mitochondrial Disease Variant Curation Expert Panel on December 3, 2024. Mitochondrial DNA-specific ACMG/AMP criteria applied (PMID: 32906214): PS4_supporting, PM2_supporting, PP3.

Clinical Genetics Laboratory, Skane University Hospital Lund
Classification: Likely pathogenic. Last evaluated: 2022-05-27. Review status: criteria provided, single submitter. Criteria: ACMG Guidelines, 2015. Collection method: clinical testing. Allele origin: germline. Affected: yes. Not counted in ClinVar's aggregate classification.

Wong Mito Lab, Molecular and Human Genetics, Baylor College of Medicine
Classification: Likely pathogenic for Leigh syndrome. Last evaluated: 2019-10-17. Review status: criteria provided, single submitter. Criteria: Modified ACMG Guidelines (Unpublished). Collection method: clinical testing. Allele origin: germline. Not counted in ClinVar's aggregate classification.
Comment: The NC_012920.1:m.9134A>G (YP_003024031.1:p.Glu203Gly) variant in MTATP6 gene is interpretated to be a Likely Pathogenic variant based on the modified ACMG guidelines (unpublished). This variant meets the following evidence codes: PM2, PM9, PP3, PP6

Literature cited by the submitters: PubMed 22231385 (cited by Wong Mito Lab, Molecular and Human Genetics, Baylor College of Medicine).

NC_012920.1(MT-ATP6):m.9134A>G

Gene: MT-ATP6 (mitochondrially encoded ATP synthase 6; plus strand).
Variant type: single nucleotide variant.
Genome position: chrM-9134-A-G.
Identifiers: ClinVar variation 693105 (VCV000693105.3), dbSNP rs1603222119, ClinGen allele CA414802276.
Genomic context (GRCh38, chrMT:9,134, plus strand): 5'-CCATTAACCTTCCCTCTACACTTATCATCTTCACAATTCTAATTCTACTGACTATCCTAG[A>G]AATCGCTGTCGCCTTAATCCAAGCCTACGTTTTCACACTTCTAGTAAGCCTCTACCTGCA-3'